The following is an entry in ClinVar:

ClinVar aggregate classification (germline): Uncertain significance (1 of 4 stars; one submission).

Conditions:
Ehlers-Danlos syndrome, classic type, 1 (EDSCL1). Also called: EHLERS-DANLOS SYNDROME, GRAVIS TYPE; EHLERS-DANLOS SYNDROME, SEVERE CLASSIC TYPE; Ehlers-Danlos syndrome, type 1; Ehlers-Danlos Syndrome, Classic Type, COL5A1-Related; EDS I. Identifiers: MedGen C0268335, MONDO:0019567, OMIM 130000.

gnomAD v4.1: 1 of 1,550,716 alleles (0.000064%); highest among the groups gnomAD compares: Non-Finnish European, 0.000087%; no homozygotes.

Submission:

Labcorp Genetics (formerly Invitae), Labcorp
Classification: Uncertain significance for Ehlers-Danlos syndrome, classic type, 1. Last evaluated: 2024-09-17. Review status: criteria provided, single submitter. Criteria: Invitae Variant Classification Sherloc (09022015). Collection method: clinical testing. Allele origin: germline.
Comment: This sequence change replaces alanine, which is neutral and non-polar, with aspartic acid, which is acidic and polar, at codon 1095 of the COL5A1 protein (p.Ala1095Asp). This variant is not present in population databases (gnomAD no frequency). This variant has not been reported in the literature in individuals affected with COL5A1-related conditions. Invitae Evidence Modeling of protein sequence and biophysical properties (such as structural, functional, and spatial information, amino acid conservation, physicochemical variation, residue mobility, and thermodynamic stability) indicates that this missense variant is not expected to disrupt COL5A1 protein function with a negative predictive value of 80%. In summary, the available evidence is currently insufficient to determine the role of this variant in disease. Therefore, it has been classified as a Variant of Uncertain Significance.

NM_000093.5(COL5A1):c.3284C>A (p.Ala1095Asp)

Gene: COL5A1 (collagen type V alpha 1 chain; plus strand). Cytogenetic location: 9q34.3.
Variant type: single nucleotide variant.
Coding change: c.3284C>A on transcript NM_000093.5 (MANE Select); coding-DNA position 3284, C replaced by A.
Protein change: p.Ala1095Asp; replaces alanine 1095 with aspartic acid.
Molecular consequence: missense variant.
Genome position (GRCh38, 1-based): chr9:134,806,214, C>A. VCF-style: chr9-134806214-C-A. GRCh37 (hg19) VCF-style: chr9-137698060-C-A.
Other names: c.3284C>A, p.Ala1095Asp (NM_001278074.1); short protein forms A1095D.
Identifiers: ClinVar variation 3670147 (VCV003670147.2).